The following is an entry in ClinVar:

ClinVar aggregate classification (germline): Uncertain significance (1 of 4 stars; one submission).

Conditions:
Cohen syndrome (COH1). Also called: Cutis verticis gyrata, retinitis pigmentosa, and sensorineural deafness; PEPPER SYNDROME. Identifiers: Orphanet 193, MedGen C0265223, MONDO:0008999, OMIM 216550.

Submission:

Labcorp Genetics (formerly Invitae), Labcorp
Classification: Uncertain significance for Cohen syndrome. Last evaluated: 2022-08-10. Review status: criteria provided, single submitter. Criteria: Invitae Variant Classification Sherloc (09022015). Collection method: clinical testing. Allele origin: germline.
Comment: This sequence change replaces proline, which is neutral and non-polar, with leucine, which is neutral and non-polar, at codon 1530 of the VPS13B protein (p.Pro1530Leu). In summary, the available evidence is currently insufficient to determine the role of this variant in disease. Therefore, it has been classified as a Variant of Uncertain Significance. Algorithms developed to predict the effect of missense changes on protein structure and function are either unavailable or do not agree on the potential impact of this missense change (SIFT: "Not Available"; PolyPhen-2: "Benign"; Align-GVGD: "Not Available"). This variant has not been reported in the literature in individuals affected with VPS13B-related conditions. This variant is not present in population databases (gnomAD no frequency).

NM_152564.5(VPS13B):c.4514C>T (p.Pro1505Leu)

Gene: VPS13B (vacuolar protein sorting 13 homolog B; plus strand). Cytogenetic location: 8q22.2.
Variant type: single nucleotide variant.
Coding change: c.4514C>T on transcript NM_152564.5 (MANE Select); coding-DNA position 4514, C replaced by T.
Protein change: p.Pro1505Leu; replaces proline 1505 with leucine.
Molecular consequence: missense variant.
Genome position (GRCh38, 1-based): chr8:99,511,393, C>T. VCF-style: chr8-99511393-C-T. GRCh37 (hg19) VCF-style: chr8-100523621-C-T.
Other names: c.4589C>T, p.Pro1530Leu (NM_017890.5); short protein forms P1505L, P1530L.
Identifiers: ClinVar variation 1996937 (VCV001996937.4), dbSNP rs1821779357, ClinGen allele CA371871804.